The following is an entry in ClinVar:

NM_002471.4(MYH6):c.5565+5G>A

Gene: MYH6 (myosin heavy chain 6; minus strand). Cytogenetic location: 14q11.2.
Variant type: single nucleotide variant.
Coding change: c.5565+5G>A on transcript NM_002471.4 (MANE Select); 5 bases into the intron after coding-DNA position 5565, G replaced by A.
Molecular consequence: intron variant.
Genome position (GRCh38, 1-based): chr14:23,384,437, C>T on the plus strand (G>A on the coding strand, the complement: MYH6 is on the minus strand). VCF-style: chr14-23384437-C-T. GRCh37 (hg19) VCF-style: chr14-23853646-C-T.
Other names: c.5565+5G>A (NM_002471.3).
Identifiers: ClinVar variation 2445771 (VCV002445771.4), dbSNP rs527840758, ClinGen allele CA257776232.
Genomic context (GRCh38, chr14:23,384,437, plus strand): 5'-GGCGGGGCAGTGGGGCCAGAGAAGAAACTTCCACATCTACTCCTGGTGTCTGGCGTCCGC[C>T]GCACCTGGTAGGTGAGCTCCTTGATGCGCCGCTCGCTCTTCCTCATGCCCTTCACCGACT-3'

ClinVar aggregate classification (germline): Uncertain significance. Review status: criteria provided, multiple submitters, no conflicts (2 of 4 stars). 3 submissions from 3 submitters: Uncertain significance (3). Last evaluated 2025-09-24.

Conditions:
Hypertrophic cardiomyopathy 14. Identifiers: MedGen C2750467, MONDO:0013197, OMIM 613251.
Cardiovascular phenotype. Identifiers: MedGen CN230736.

Submissions (3):

Ambry Genetics
Classification: Uncertain significance for Cardiovascular phenotype. Last evaluated: 2025-09-24. Review status: criteria provided, single submitter. Criteria: Ambry Variant Classification Scheme 2023. Collection method: clinical testing. Allele origin: germline.
Comment: The c.5565+5G>A intronic variant results from a G to A substitution 5 nucleotides after coding exon 34 in the MYH6 gene. This nucleotide position is highly conserved in available vertebrate species. In silico splice site analysis for this alteration is inconclusive. Based on the available evidence, the clinical significance of this variant remains unclear.

Labcorp Genetics (formerly Invitae), Labcorp
Classification: Uncertain significance for Hypertrophic cardiomyopathy 14. Last evaluated: 2024-02-26. Review status: criteria provided, single submitter. Criteria: Invitae Variant Classification Sherloc (09022015). Collection method: clinical testing. Allele origin: germline.
Comment: This sequence change falls in intron 36 of the MYH6 gene. It does not directly change the encoded amino acid sequence of the MYH6 protein. It affects a nucleotide within the consensus splice site. The frequency data for this variant in the population databases is considered unreliable, as metrics indicate poor data quality at this position in the gnomAD database. This variant has not been reported in the literature in individuals affected with MYH6-related conditions. ClinVar contains an entry for this variant (Variation ID: 2445771). Variants that disrupt the consensus splice site are a relatively common cause of aberrant splicing (PMID: 17576681, 9536098). Algorithms developed to predict the effect of sequence changes on RNA splicing suggest that this variant may disrupt the consensus splice site. In summary, the available evidence is currently insufficient to determine the role of this variant in disease. Therefore, it has been classified as a Variant of Uncertain Significance.

Women's Health and Genetics/Laboratory Corporation of America, LabCorp
Classification: Uncertain significance. Last evaluated: 2023-02-10. Review status: criteria provided, single submitter. Criteria: LabCorp Variant Classification Summary - May 2015. Collection method: clinical testing. Allele origin: germline.

Literature cited by the submitters: PubMed 17576681 (cited by Labcorp Genetics (formerly Invitae), Labcorp); PubMed 9536098 (cited by Labcorp Genetics (formerly Invitae), Labcorp).